The following is an entry in ClinVar:

NM_002457.5(MUC2):c.12402G>C (p.Thr4134=)

Gene: MUC2 (mucin 2, oligomeric mucus/gel-forming; plus strand). Cytogenetic location: 11p15.5.
Variant type: single nucleotide variant.
Coding change: c.12402G>C on transcript NM_002457.5 (MANE Select); coding-DNA position 12402, G replaced by C.
Protein change: p.Thr4134=; no amino-acid change (threonine 4134 retained).
Molecular consequence: synonymous variant.
Genome position (GRCh38, 1-based): chr11:1,099,736, G>C. VCF-style: chr11-1099736-G-C. GRCh37 (hg19) VCF-style: chr11-1093644-G-C.
Identifiers: ClinVar variation 2641148 (VCV002641148.24), dbSNP rs754661854, ClinGen allele CA5800341.

ClinVar aggregate classification (germline): Likely benign (1 of 4 stars; one submission).

Submission:

CeGaT Center for Human Genetics Tuebingen
Classification: Likely benign. Last evaluated: 2022-09-01. Review status: criteria provided, single submitter. Criteria: CeGaT Center For Human Genetics Tuebingen Variant Classification Criteria Version 2. Collection method: clinical testing. Allele origin: germline. Affected: yes. Observed: 1 variant allele.
Comment: MUC2: BP4, BP7